The following is an entry in ClinVar:

NM_002582.4(PARN):c.1536del (p.Glu511_Tyr512insTer)

Gene: PARN (poly(A)-specific ribonuclease; minus strand). Cytogenetic location: 16p13.12.
Variant type: Deletion.
Coding change: c.1536del on transcript NM_002582.4 (MANE Select); coding-DNA position 1536, one base deleted (T; older notation c.1536delT).
Protein change: p.Glu511_Tyr512insTer.
Molecular consequence: nonsense.
Genome position (GRCh38, 1-based): chr16:14,482,772, A deleted on the plus strand (T on the coding strand, the reverse complement: PARN is on the minus strand). VCF-style (leftmost placement, unchanged base first): chr16-14482771-TA-T. GRCh37 (hg19) VCF-style: chr16-14576628-TA-T.
Other names: c.1353del, p.Glu450_Tyr451insTer (NM_001134477.3); c.1398del, p.Glu465_Tyr466insTer (NM_001242992.2).
Identifiers: ClinVar variation 3756539 (VCV003756539.2).

ClinVar aggregate classification (germline): Pathogenic (1 of 4 stars; one submission).

Conditions:
Dyskeratosis congenita, autosomal recessive 6 (DKCB6). Identifiers: MedGen C4225356, MONDO:0014600, OMIM 616353.
Pulmonary fibrosis and/or bone marrow failure, Telomere-related, 4. Also called: PULMONARY FIBROSIS AND/OR BONE MARROW FAILURE SYNDROME, TELOMERE-RELATED, 4. Identifiers: Orphanet 2032, MedGen C4225347, MONDO:0014612, OMIM 616371.

Submission:

Labcorp Genetics (formerly Invitae), Labcorp
Classification: Pathogenic for Dyskeratosis congenita, autosomal recessive 6; Pulmonary fibrosis and/or bone marrow failure, Telomere-related, 4. Last evaluated: 2024-07-16. Review status: criteria provided, single submitter. Criteria: Invitae Variant Classification Sherloc (09022015). Collection method: clinical testing. Allele origin: germline.
Comment: This sequence change creates a premature translational stop signal (p.Tyr512*) in the PARN gene. It is expected to result in an absent or disrupted protein product. Loss-of-function variants in PARN are known to be pathogenic (PMID: 9736620, 25848748, 26810774). This variant is not present in population databases (gnomAD no frequency). This variant has not been reported in the literature in individuals affected with PARN-related conditions. For these reasons, this variant has been classified as Pathogenic.

Literature cited by the submitters: PubMed 9736620; PubMed 25848748; PubMed 26810774.